The following is an entry in ClinVar:

ClinVar aggregate classification (germline): Uncertain significance (1 of 4 stars; one submission).

Allele frequency attached by ClinVar (database versions not stated): gnomAD 0.00001; TOPMed 0.00001.
gnomAD v4.1: 2 of 1,551,944 alleles (0.00013%); highest among the groups gnomAD compares: African/African-American, 0.0027%; no homozygotes.

Submission:

Labcorp Genetics (formerly Invitae), Labcorp
Classification: Uncertain significance. Last evaluated: 2022-06-13. Review status: criteria provided, single submitter. Criteria: Invitae Variant Classification Sherloc (09022015). Collection method: clinical testing. Allele origin: germline.
Comment: In summary, the available evidence is currently insufficient to determine the role of this variant in disease. Therefore, it has been classified as a Variant of Uncertain Significance. Algorithms developed to predict the effect of missense changes on protein structure and function (SIFT, PolyPhen-2, Align-GVGD) all suggest that this variant is likely to be tolerated. This variant has not been reported in the literature in individuals affected with KPNA7-related conditions. This variant is not present in population databases (gnomAD no frequency). This sequence change replaces glutamine, which is neutral and polar, with lysine, which is basic and polar, at codon 362 of the KPNA7 protein (p.Gln362Lys).

NM_001145715.3(KPNA7):c.1084C>A (p.Gln362Lys)

Gene: KPNA7 (karyopherin subunit alpha 7; minus strand). Cytogenetic location: 7q22.1.
Variant type: single nucleotide variant.
Coding change: c.1084C>A on transcript NM_001145715.3 (MANE Select); coding-DNA position 1084, C replaced by A.
Protein change: p.Gln362Lys; replaces glutamine 362 with lysine.
Molecular consequence: missense variant.
Genome position (GRCh38, 1-based): chr7:99,184,979, G>T on the plus strand (C>A on the coding strand, the complement: KPNA7 is on the minus strand). VCF-style: chr7-99184979-G-T. GRCh37 (hg19) VCF-style: chr7-98782602-G-T.
Other names: short protein forms Q362K.
Identifiers: ClinVar variation 2060439 (VCV002060439.2), dbSNP rs1403982359, ClinGen allele CA368419161.